The following is an entry in ClinVar:

NM_014845.6(FIG4):c.2661dup (p.Gln888fs)

Gene: FIG4 (FIG4 phosphoinositide 5-phosphatase; plus strand). Cytogenetic location: 6q21.
Variant type: Duplication.
Coding change: c.2661dup on transcript NM_014845.6 (MANE Select); coding-DNA position 2661, one base duplicated (G; older notation c.2661dupG).
Protein change: p.Gln888fs; shifts the reading frame from glutamine 888.
Molecular consequence: frameshift variant.
Genome position (GRCh38, 1-based): chr6:109,825,202, G duplicated. VCF-style (leftmost placement, unchanged base first): chr6-109825201-T-TG. GRCh37 (hg19) VCF-style: chr6-110146404-T-TG.
Other names: c.2661dupG (NM_014845.5); short protein forms Q888fs.
Identifiers: ClinVar variation 665489 (VCV000665489.4), dbSNP rs778839285, ClinGen allele CA3956470.

ClinVar aggregate classification (germline): Uncertain significance. Review status: criteria provided, multiple submitters, no conflicts (2 of 4 stars). 2 submissions from 2 submitters: Uncertain significance (2). Last evaluated 2023-04-20.

Conditions:
Charcot-Marie-Tooth disease type 4. Also called: Charcot-Marie-Tooth disease, type IV; Charcot-Marie-Tooth, Type 4. Identifiers: Orphanet 64749, MedGen C4082197, MONDO:0018995.
FIG4-related disorder. Also called: FIG4-related disorders; FIG4-related condition.

Allele frequency attached by ClinVar (database versions not stated): gnomAD exomes 0.00001 and 0.00004; ExAC 0.00002; gnomAD 0.00002 and 0.00003; TOPMed 0.00003.

Submissions (2):

PreventionGenetics, part of Exact Sciences
Classification: Uncertain significance for FIG4-related condition. Last evaluated: 2023-04-20. Review status: criteria provided, single submitter. Criteria: ACMG Guidelines, 2015. Collection method: clinical testing. Allele origin: germline.
Comment: The FIG4 c.2661dupG variant is predicted to result in a frameshift and premature protein termination (p.Gln888Alafs*34). This variant is located within the last exon of FIG4 and is predicted to cause a frameshift that removes and adds <35 amino acids to the end of the resulting protein. This variant was reported in the heterozygous state in an individual with sporadic amyotrophic lateral sclerosis and was suggested by the authors to be likely benign, although no conclusive evidence was provided (Liu CY et al. 2022. PubMed ID: 35021275). This variant is also present in ClinVar and has been interpreted as a variant of uncertain significance. This variant is reported in 0.065% of alleles in individuals of East Asian descent in gnomAD. At this time, the clinical significance of this variant is uncertain due to the absence of conclusive functional and genetic evidence.

Labcorp Genetics (formerly Invitae), Labcorp
Classification: Uncertain significance for Charcot-Marie-Tooth disease type 4. Last evaluated: 2020-02-13. Review status: criteria provided, single submitter. Criteria: Invitae Variant Classification Sherloc (09022015). Collection method: clinical testing. Allele origin: germline.
Comment: This sequence change results in a frameshift in the FIG4 gene (p.Gln888Alafs*34). While this is not anticipated to result in nonsense mediated decay, it is expected to disrupt the last 20 amino acids of the FIG4 protein and extend the protein by an additional 14 amino acids. This variant is present in population databases (rs778839285, ExAC 0.03%). This variant has not been reported in the literature in individuals with FIG4-related disease. In summary, the available evidence is currently insufficient to determine the role of this variant in disease. Therefore, it has been classified as a Variant of Uncertain Significance.